The following is an entry in ClinVar:

ClinVar aggregate classification (germline): Uncertain significance. Review status: criteria provided, multiple submitters, no conflicts (2 of 4 stars). 3 submissions from 3 submitters: Uncertain significance (3). Last evaluated 2025-10-24.

Conditions:
Colorectal cancer, hereditary nonpolyposis, type 7. Identifiers: Orphanet 144, MedGen C1858380, MONDO:0013725, OMIM 614385.
Colorectal cancer. Also called: Malignant Colorectal Neoplasm; Colorectal cancer, somatic. Identifiers: MedGen C0346629, MONDO:0005575, OMIM 114500.
Endometrial carcinoma. Also called: Endometrial carcinoma, somatic. Identifiers: MedGen C0476089, MONDO:0002447, OMIM 608089, HP:0012114.

Allele frequency attached by ClinVar (database versions not stated): gnomAD 0.00001; gnomAD exomes 0.00003 and 0.00005; ExAC 0.00007; TOPMed 0.00008; 1000 Genomes Project 30x 0.00016; 1000 Genomes Project 0.00020.
gnomAD v4.1: 41 of 1,613,188 alleles (0.0025%); highest among the groups gnomAD compares: Admixed American, 0.035%; no homozygotes.

Submissions (3):

Ambry Genetics
Classification: Uncertain significance. Last evaluated: 2025-10-24. Review status: criteria provided, single submitter. Criteria: Ambry Variant Classification Scheme 2023. Collection method: clinical testing. Allele origin: germline.

Labcorp Genetics (formerly Invitae), Labcorp
Classification: Uncertain significance for Colorectal cancer, hereditary nonpolyposis, type 7. Last evaluated: 2025-09-23. Review status: criteria provided, single submitter. Criteria: Invitae Variant Classification Sherloc (09022015). Collection method: clinical testing. Allele origin: germline.
Comment: This sequence change replaces valine, which is neutral and non-polar, with alanine, which is neutral and non-polar, at codon 1129 of the MLH3 protein (p.Val1129Ala). This variant is present in population databases (rs202222467, gnomAD 0.03%), and has an allele count higher than expected for a pathogenic variant. This variant has not been reported in the literature in individuals affected with MLH3-related conditions. ClinVar contains an entry for this variant (Variation ID: 839665). An algorithm developed to predict the effect of missense changes on protein structure and function outputs the following: PolyPhen-2: "Benign". The alanine amino acid residue is found in multiple mammalian species, which suggests that this missense change does not adversely affect protein function. In summary, the available evidence is currently insufficient to determine the role of this variant in disease. Therefore, it has been classified as a Variant of Uncertain Significance.

Fulgent Genetics
Classification: Uncertain significance for Colorectal cancer; Endometrial carcinoma; Colorectal cancer, hereditary nonpolyposis, type 7. Last evaluated: 2024-06-12. Review status: criteria provided, single submitter. Criteria: ACMG Guidelines, 2015. Collection method: clinical testing. Allele origin: germline.

NM_001040108.2(MLH3):c.3386T>C (p.Val1129Ala)

Gene: MLH3 (mutL homolog 3; minus strand). Cytogenetic location: 14q24.3.
Variant type: single nucleotide variant.
Coding change: c.3386T>C on transcript NM_001040108.2 (MANE Select); coding-DNA position 3386, T replaced by C.
Protein change: p.Val1129Ala; replaces valine 1129 with alanine.
Molecular consequence: missense variant.
Genome position (GRCh38, 1-based): chr14:75,041,694, A>G on the plus strand (T>C on the coding strand, the complement: MLH3 is on the minus strand). VCF-style: chr14-75041694-A-G. GRCh37 (hg19) VCF-style: chr14-75508397-A-G.
Other names: c.3386T>C, p.Val1129Ala (NM_014381.3); short protein forms V1129A.
Identifiers: ClinVar variation 839665 (VCV000839665.15), dbSNP rs202222467, ClinGen allele CA7275508.
Genomic context (GRCh38, chr14:75,041,694, plus strand): 5'-ACTGGATTGTCCCATTCTGAGAACAAAGACTGAAGCGATTCGCTACTAACAGTATCATCC[A>G]CAGTATCTAGGGCAAAAGGGAACAGGTAAAGTTGGCATCCAGAACCACAGGGAAAGGAGG-3'
Protein context (NP_001035197.1, residues 1119-1139): TVMRQDNRDT[Val1129Ala]DDTVSSESLQ